The following is an entry in ClinVar:

NM_145239.3(PRRT2):c.932G>C (p.Arg311Pro)

Genes: MVP-DT (MVP divergent transcript; minus strand), PRRT2 (proline rich transmembrane protein 2; plus strand). Cytogenetic location: 16p11.2.
Variant type: single nucleotide variant.
Coding change: c.932G>C on transcript NM_145239.3 (MANE Select); coding-DNA position 932, G replaced by C.
Protein change: p.Arg311Pro; replaces arginine 311 with proline.
Molecular consequence: missense variant. On other transcripts: 3 prime UTR variant (1).
Genome position (GRCh38, 1-based): chr16:29,814,385, G>C. VCF-style: chr16-29814385-G-C. GRCh37 (hg19) VCF-style: chr16-29825706-G-C.
Other names: c.932G>C, p.Arg311Pro (NM_001256442.2); c.*431G>C (NM_001256443.2); short protein forms R311P.
Identifiers: ClinVar variation 404414 (VCV000404414.12), dbSNP rs866838115, ClinGen allele CA16615323.

ClinVar aggregate classification (germline): Conflicting classifications of pathogenicity. Review status: criteria provided, conflicting classifications (1 of 4 stars). 2 submissions from 2 submitters: Pathogenic (1); Uncertain significance (1). Last evaluated 2026-01-12.

Conditions:
Episodic kinesigenic dyskinesia (EKD). Also called: Paroxysmal kinesigenic dyskinesia. Identifiers: Orphanet 98809, MedGen C1868682, MONDO:0044202.

Submissions (2):

Labcorp Genetics (formerly Invitae), Labcorp
Classification: Pathogenic for Episodic kinesigenic dyskinesia. Last evaluated: 2026-01-12. Review status: criteria provided, single submitter. Criteria: Invitae Variant Classification Sherloc (09022015). Collection method: clinical testing. Allele origin: germline.
Comment: This sequence change replaces arginine, which is basic and polar, with proline, which is neutral and non-polar, at codon 311 of the PRRT2 protein (p.Arg311Pro). This variant is not present in population databases (gnomAD no frequency). This missense change has been observed in individuals with clinical features of paroxysmal kinesigenic dyskinesia and/or benign familial neonatal-infantile seizures (internal data). ClinVar contains an entry for this variant (Variation ID: 404414). Invitae Evidence Modeling of protein sequence and biophysical properties (such as structural, functional, and spatial information, amino acid conservation, physicochemical variation, residue mobility, and thermodynamic stability) indicates that this missense variant is expected to disrupt PRRT2 protein function with a positive predictive value of 95%. This variant disrupts the p.Arg311 amino acid residue in PRRT2. Other variant(s) that disrupt this residue have been determined to be pathogenic (internal data). This suggests that this residue is clinically significant, and that variants that disrupt this residue are likely to be disease-causing. For these reasons, this variant has been classified as Pathogenic.

GeneDx
Classification: Uncertain significance. Last evaluated: 2024-10-28. Review status: criteria provided, single submitter. Criteria: GeneDx Variant Classification Process June 2021. Collection method: clinical testing. Allele origin: germline. Affected: yes.
Comment: Not observed at significant frequency in large population cohorts (gnomAD); In silico analysis supports that this missense variant has a deleterious effect on protein structure/function; Has not been previously published as pathogenic or benign to our knowledge